The following is an entry in ClinVar:

NM_144643.4(SCLT1):c.389_392del (p.Val130fs)

Gene: SCLT1 (sodium channel and clathrin linker 1; minus strand). Cytogenetic location: 4q28.2.
Variant type: Deletion.
Coding change: c.389_392del on transcript NM_144643.4 (MANE Select); coding-DNA positions 389 to 392, 4 bases deleted (TCAG; older notation c.389_392delTCAG).
Protein change: p.Val130fs; shifts the reading frame from valine 130.
Molecular consequence: frameshift variant.
Genome position (GRCh38, 1-based): chr4:129,003,775-129,003,778, CTGA deleted on the plus strand (TCAG on the coding strand, the reverse complement: SCLT1 is on the minus strand); deleting any 4 consecutive bases within chr4:129,003,775-129,003,781 gives the same sequence; the c. name uses the placement nearest the transcript's 3' end. VCF-style (leftmost placement, unchanged base first): chr4-129003774-TCTGA-T. GRCh37 (hg19) VCF-style: chr4-129924929-TCTGA-T.
Other names: c.389_392del, p.Val130fs (NM_001410807.1); short protein forms V130fs.
Identifiers: ClinVar variation 2791352 (VCV002791352.3), dbSNP rs1227463735, ClinGen allele CA787003880.

ClinVar aggregate classification (germline): Pathogenic (1 of 4 stars; one submission).

Submission:

Labcorp Genetics (formerly Invitae), Labcorp
Classification: Pathogenic. Last evaluated: 2023-04-13. Review status: criteria provided, single submitter. Criteria: Invitae Variant Classification Sherloc (09022015). Collection method: clinical testing. Allele origin: germline.
Comment: This sequence change creates a premature translational stop signal (p.Val130Glufs*9) in the SCLT1 gene. It is expected to result in an absent or disrupted protein product. Loss-of-function variants in SCLT1 are known to be pathogenic (PMID: 28005958). This variant is not present in population databases (gnomAD no frequency). This variant has not been reported in the literature in individuals affected with SCLT1-related conditions. For these reasons, this variant has been classified as Pathogenic.

Literature cited by the submitters: PubMed 28005958.